The following is an entry in ClinVar:

ClinVar aggregate classification (germline): Benign. Review status: criteria provided, single submitter (1 of 4 stars). 2 submissions from 2 submitters: Benign (1). 1 of the submissions does not count toward it. Last evaluated 2017-08-03.

Conditions:
TBC1D1-related disorder. Also called: TBC1D1-related condition.

Allele frequency attached by ClinVar (database versions not stated): gnomAD exomes 0.00017 and 0.00043; ExAC 0.00060; gnomAD 0.00172 and 0.00188; TOPMed 0.00187; ESP Exome Variant Server 0.00208; 1000 Genomes Project 0.00220; 1000 Genomes Project 30x 0.00250.
gnomAD v4.1: 529 of 1,611,870 alleles (0.033%); highest among the groups gnomAD compares: African/African-American, 0.59%; 1 homozygote.

Submissions (2):

Labcorp Genetics (formerly Invitae), Labcorp
Classification: Benign. Last evaluated: 2017-08-03. Review status: criteria provided, single submitter. Criteria: Invitae Variant Classification Sherloc (09022015). Collection method: clinical testing. Allele origin: germline.

PreventionGenetics, part of Exact Sciences
Classification: Likely benign for TBC1D1-related condition. Last evaluated: 2020-02-25. Review status: no assertion criteria provided. Collection method: clinical testing. Allele origin: germline. Not counted in ClinVar's aggregate classification.
Comment: This variant is classified as likely benign based on ACMG/AMP sequence variant interpretation guidelines (Richards et al. 2015 PMID: 25741868, with internal and published modifications).

NM_001396959.1(TBC1D1):c.45C>T (p.Asn15=)

Gene: TBC1D1 (TBC1 domain family member 1; plus strand). Cytogenetic location: 4p14.
Variant type: single nucleotide variant.
Coding change: c.45C>T on transcript NM_001396959.1 (MANE Select); coding-DNA position 45, C replaced by T.
Protein change: p.Asn15=; no amino-acid change (asparagine 15 retained).
Molecular consequence: synonymous variant.
Genome position (GRCh38, 1-based): chr4:37,902,140, C>T. VCF-style: chr4-37902140-C-T. GRCh37 (hg19) VCF-style: chr4-37903761-C-T.
Other names: c.45C>T, p.Asn15= (NM_001253912.2, NM_015173.4).
Identifiers: ClinVar variation 787799 (VCV000787799.6), dbSNP rs144039014, ClinGen allele CA2887195.
Genomic context (GRCh38, chr4:37,902,140, plus strand): 5'-CCAGACCCTTCCCAAGATGGAACCAATAACATTCACAGCAAGGAAACATCTGCTTTCTAA[C>T]GAGGTCTCGGTGGATTTTGGCCTGCAGCTGGTGGGCTCCCTGCCTGTGCATTCCCTGACC-3'
Protein context (NP_001383888.1, residues 5-25): TFTARKHLLS[Asn15=]EVSVDFGLQL